The following is an entry in ClinVar:

NM_000059.4(BRCA2):c.3539del (p.Lys1180fs)

Gene: BRCA2 (BRCA2 DNA repair associated; plus strand). Cytogenetic location: 13q13.1.
Variant type: Deletion.
Coding change: c.3539del on transcript NM_000059.4 (MANE Select); coding-DNA position 3539, one base deleted (A; older notation c.3539delA).
Protein change: p.Lys1180fs; shifts the reading frame from lysine 1180.
Molecular consequence: frameshift variant. On other transcripts: non-coding transcript variant (1), intron variant (2).
Genome position (GRCh38, 1-based): chr13:32,337,894, A deleted; the last of 2 consecutive A bases (chr13:32,337,893-32,337,894); deleting either gives the same sequence. VCF-style (leftmost placement, unchanged base first): chr13-32337892-CA-C. GRCh37 (hg19) VCF-style: chr13-32912029-CA-C.
Other names: c.3539del, p.Lys1180fs (NM_001406719.1, NM_001406720.1, NM_001432077.1); c.1909+4507del (NM_001406721.1); c.425-6664del (NM_001406722.1); short protein forms K1180fs.
Identifiers: ClinVar variation 4073570 (VCV004073570.1).
Genomic context (GRCh38, chr13:32,337,892, plus strand): 5'-CAGAGATGCTGATCTTCATGTCATAATGAATGCCCCATCGATTGGTCAGGTAGACAGCAG[CA>C]AGCAATTTGAAGGTACAGTTGAAATTAAACGGAAGTTTGCTGGCCTGTTGAAAAATGACT-3'

ClinVar aggregate classification (germline): Likely pathogenic (1 of 4 stars; one submission).

Conditions:
Breast-ovarian cancer, familial, susceptibility to, 2 (BROVCA2). Also called: BRCA2 Hereditary Breast and Ovarian Cancer. Identifiers: Orphanet 145, MedGen C2675520, MONDO:0012933, OMIM 612555. Disease mechanism: loss of function.

Submission:

Medical Genetics Laboratory, Aydin Adnan Menderes University
Classification: Likely pathogenic for Breast-ovarian cancer, familial, susceptibility to, 2. Last evaluated: 2025-07-19. Review status: criteria provided, single submitter. Criteria: ACMG Guidelines, 2015. Collection method: clinical testing. Allele origin: germline. Inheritance: Autosomal dominant inheritance. Affected: yes. Observed: 1 heterozygote.
Comment: The BRCA2:c.3539del p.(Lys1180Serfs*17) variant is a novel frameshift variant predicted to cause NMD. Given the well-established role of BRCA2 loss-of-function in hereditary breast and ovarian cancer, and the absence of the variant in gnomAD, it is classified as likely pathogenic (PVS1, PM2).